The following is an entry in ClinVar:

ClinVar aggregate classification (germline): Uncertain significance. Review status: criteria provided, multiple submitters, no conflicts (2 of 4 stars). 2 submissions from 2 submitters: Uncertain significance (2). Last evaluated 2026-02-26.

Conditions:
ADAMTS9-related disorder. Also called: ADAMTS9-related condition.

gnomAD v4.1: 15 of 1,613,658 alleles (0.00093%); highest among the groups gnomAD compares: Admixed American, 0.018%; no homozygotes.

Submissions (2):

PreventionGenetics, part of Exact Sciences
Classification: Uncertain significance for ADAMTS9-related condition. Last evaluated: 2026-02-26. Review status: criteria provided, single submitter. Criteria: ACMG Guidelines, 2015. Collection method: clinical testing. Allele origin: germline.
Comment: The ADAMTS9 c.565C>G variant is predicted to result in the amino acid substitution p.Gln189Glu. To our knowledge, this variant has not been reported in the literature. This variant is reported in 0.023% of alleles in individuals of Latino descent in gnomAD. At this time, the clinical significance of this variant is uncertain due to the absence of conclusive functional and genetic evidence.

Ambry Genetics
Classification: Uncertain significance. Last evaluated: 2024-11-28. Review status: criteria provided, single submitter. Criteria: Ambry Variant Classification Scheme 2023. Collection method: clinical testing. Allele origin: germline.

NM_182920.2(ADAMTS9):c.565C>G (p.Gln189Glu)

Gene: ADAMTS9 (ADAM metallopeptidase with thrombospondin type 1 motif 9; minus strand). Cytogenetic location: 3p14.1.
Variant type: single nucleotide variant.
Coding change: c.565C>G on transcript NM_182920.2 (MANE Select); coding-DNA position 565, C replaced by G.
Protein change: p.Gln189Glu; replaces glutamine 189 with glutamic acid.
Molecular consequence: missense variant.
Genome position (GRCh38, 1-based): chr3:64,681,315, G>C on the plus strand (C>G on the coding strand, the complement: ADAMTS9 is on the minus strand). VCF-style: chr3-64681315-G-C. GRCh37 (hg19) VCF-style: chr3-64666991-G-C.
Other names: c.565C>G, p.Gln189Glu (NM_001318781.2); short protein forms Q189E.
Identifiers: ClinVar variation 3492078 (VCV003492078.2).